The following is an entry in ClinVar:

NM_006070.6(TFG):c.928C>A (p.Gln310Lys)

Gene: TFG (trafficking from ER to golgi regulator; plus strand). Cytogenetic location: 3q12.2.
Variant type: single nucleotide variant.
Coding change: c.928C>A on transcript NM_006070.6 (MANE Select); coding-DNA position 928, C replaced by A.
Protein change: p.Gln310Lys; replaces glutamine 310 with lysine.
Molecular consequence: missense variant.
Genome position (GRCh38, 1-based): chr3:100,748,256, C>A. VCF-style: chr3-100748256-C-A. GRCh37 (hg19) VCF-style: chr3-100467100-C-A.
Other names: c.928C>A, p.Gln310Lys (NM_001007565.2, NM_001195478.2); c.916C>A, p.Gln306Lys (NM_001195479.2); short protein forms Q306K, Q310K.
Identifiers: ClinVar variation 1714332 (VCV001714332.5), dbSNP rs2472157359, ClinGen allele CA353853436.

ClinVar aggregate classification (germline): Uncertain significance (1 of 4 stars; one submission).

Conditions:
Hereditary motor and sensory neuropathy, Okinawa type (HMSNO). Also called: HEREDITARY MOTOR AND SENSORY NEUROPATHY, PROXIMAL TYPE. Identifiers: Orphanet 90117, MedGen C1858338, MONDO:0011468, OMIM 604484.
Hereditary spastic paraplegia 57. Also called: Spastic paraplegia 57, autosomal recessive. Identifiers: Orphanet 431329, MedGen C3714897, MONDO:0014295, OMIM 615658.

gnomAD v4.1: 1 of 1,614,142 alleles (0.000062%); no homozygotes.

Submission:

Labcorp Genetics (formerly Invitae), Labcorp
Classification: Uncertain significance for Hereditary motor and sensory neuropathy, Okinawa type; Hereditary spastic paraplegia 57. Last evaluated: 2022-07-30. Review status: criteria provided, single submitter. Criteria: Invitae Variant Classification Sherloc (09022015). Collection method: clinical testing. Allele origin: germline.
Comment: In summary, the available evidence is currently insufficient to determine the role of this variant in disease. Therefore, it has been classified as a Variant of Uncertain Significance. Algorithms developed to predict the effect of missense changes on protein structure and function (SIFT, PolyPhen-2, Align-GVGD) all suggest that this variant is likely to be tolerated. This variant has not been reported in the literature in individuals affected with TFG-related conditions. This variant is not present in population databases (gnomAD no frequency). This sequence change replaces glutamine, which is neutral and polar, with lysine, which is basic and polar, at codon 310 of the TFG protein (p.Gln310Lys).